The following is an entry in ClinVar:

ClinVar aggregate classification (germline): Uncertain significance. Review status: criteria provided, multiple submitters, no conflicts (2 of 4 stars). 2 submissions from 2 submitters: Uncertain significance (2). Last evaluated 2025-11-05.

Conditions:
Inborn genetic diseases. Identifiers: MedGen C0950123, MeSH D030342.

Allele frequency attached by ClinVar (database versions not stated): gnomAD exomes below 0.00001.
gnomAD v4.1: 5 of 1,614,124 alleles (0.00031%); highest among the groups gnomAD compares: Non-Finnish European, 0.00034%; no homozygotes.

Submissions (2):

Ambry Genetics
Classification: Uncertain significance for Inborn genetic diseases. Last evaluated: 2025-11-05. Review status: criteria provided, single submitter. Criteria: Ambry Variant Classification Scheme 2023. Collection method: clinical testing. Allele origin: germline.

CeGaT Center for Human Genetics Tuebingen
Classification: Uncertain significance. Last evaluated: 2024-01-01. Review status: criteria provided, single submitter. Criteria: CeGaT Center For Human Genetics Tuebingen Variant Classification Criteria Version 2. Collection method: clinical testing. Allele origin: germline. Affected: yes. Observed: 1 variant allele.
Comment: CUX2: PM2

NM_015267.4(CUX2):c.4268C>A (p.Ser1423Tyr)

Gene: CUX2 (cut like homeobox 2; plus strand). Cytogenetic location: 12q24.12.
Variant type: single nucleotide variant.
Coding change: c.4268C>A on transcript NM_015267.4 (MANE Select); coding-DNA position 4268, C replaced by A.
Protein change: p.Ser1423Tyr; replaces serine 1423 with tyrosine.
Molecular consequence: missense variant.
Genome position (GRCh38, 1-based): chr12:111,348,132, C>A. VCF-style: chr12-111348132-C-A. GRCh37 (hg19) VCF-style: chr12-111785936-C-A.
Other names: c.4082C>A, p.Ser1361Tyr (NM_001370598.1); c.4268C>A (NM_015267.3); short protein forms S1361Y, S1423Y.
Identifiers: ClinVar variation 3026867 (VCV003026867.22), dbSNP rs2499944598, ClinGen allele CA386722905.